The following is an entry in ClinVar:

NM_001458.5(FLNC):c.6112A>C (p.Ile2038Leu)

Genes: FLNC-AS1 (FLNC antisense RNA 1; minus strand), FLNC (filamin C; plus strand). Cytogenetic location: 7q32.1.
Variant type: single nucleotide variant.
Coding change: c.6112A>C on transcript NM_001458.5 (MANE Select); coding-DNA position 6112, A replaced by C.
Protein change: p.Ile2038Leu; replaces isoleucine 2038 with leucine.
Molecular consequence: missense variant.
Genome position (GRCh38, 1-based): chr7:128,852,935, A>C. VCF-style: chr7-128852935-A-C. GRCh37 (hg19) VCF-style: chr7-128492989-A-C.
Other names: c.6013A>C, p.Ile2005Leu (NM_001127487.2); short protein forms I2005L, I2038L.
Identifiers: ClinVar variation 1360840 (VCV001360840.10), dbSNP rs2128938907, ClinGen allele CA369211265.

ClinVar aggregate classification (germline): Uncertain significance. Review status: criteria provided, multiple submitters, no conflicts (2 of 4 stars). 2 submissions from 2 submitters: Uncertain significance (2). Last evaluated 2023-11-14.

Conditions:
Distal myopathy with posterior leg and anterior hand involvement. Also called: WILLIAMS DISTAL MYOPATHY. Identifiers: Orphanet 63273, MedGen C3279722, MONDO:0013550, OMIM 614065.
Myofibrillar myopathy 5. Also called: Filaminopathy (type); FILAMINOPATHY, AUTOSOMAL DOMINANT. Identifiers: Orphanet 171445, MedGen C1836050, MONDO:0012289, OMIM 609524.
Hypertrophic cardiomyopathy 26. Also called: Cardiomyopathy, familial hypertrophic, 26. Identifiers: Orphanet 75249, MedGen C4310749, MONDO:0014883, OMIM 617047.
Cardiovascular phenotype. Identifiers: MedGen CN230736.

Allele frequency attached by ClinVar (database versions not stated): gnomAD exomes below 0.00001.
gnomAD v4.1: 3 of 1,613,568 alleles (0.00019%); highest among the groups gnomAD compares: Non-Finnish European, 0.00017%; no homozygotes.

Submissions (2):

Labcorp Genetics (formerly Invitae), Labcorp
Classification: Uncertain significance for Distal myopathy with posterior leg and anterior hand involvement; Myofibrillar myopathy 5; Hypertrophic cardiomyopathy 26. Last evaluated: 2023-11-14. Review status: criteria provided, single submitter. Criteria: Invitae Variant Classification Sherloc (09022015). Collection method: clinical testing. Allele origin: germline.
Comment: This sequence change replaces isoleucine, which is neutral and non-polar, with leucine, which is neutral and non-polar, at codon 2038 of the FLNC protein (p.Ile2038Leu). This variant is not present in population databases (gnomAD no frequency). This variant has not been reported in the literature in individuals affected with FLNC-related conditions. ClinVar contains an entry for this variant (Variation ID: 1360840). Advanced modeling of protein sequence and biophysical properties (such as structural, functional, and spatial information, amino acid conservation, physicochemical variation, residue mobility, and thermodynamic stability) has been performed at Invitae for this missense variant, however the output from this modeling did not meet the statistical confidence thresholds required to predict the impact of this variant on FLNC protein function. In summary, the available evidence is currently insufficient to determine the role of this variant in disease. Therefore, it has been classified as a Variant of Uncertain Significance.

Ambry Genetics
Classification: Uncertain significance for Cardiovascular phenotype. Last evaluated: 2022-01-11. Review status: criteria provided, single submitter. Criteria: Ambry Variant Classification Scheme 2023. Collection method: clinical testing. Allele origin: germline.
Comment: The p.I2038L variant (also known as c.6112A>C), located in coding exon 37 of the FLNC gene, results from an A to C substitution at nucleotide position 6112. The isoleucine at codon 2038 is replaced by leucine, an amino acid with highly similar properties. This amino acid position is conserved. In addition, the in silico prediction for this alteration is inconclusive. Since supporting evidence is limited at this time, the clinical significance of this alteration remains unclear.